The following is an entry in ClinVar:

ClinVar aggregate classification (germline): Uncertain significance. Review status: criteria provided, multiple submitters, no conflicts (2 of 4 stars). 4 submissions from 4 submitters: Uncertain significance (4). Last evaluated 2025-12-01.

Conditions:
Hereditary nonpolyposis colorectal neoplasms. Identifiers: MedGen C0009405, MeSH D003123.
Hereditary cancer-predisposing syndrome. Also called: Neoplastic Syndromes, Hereditary; Tumor predisposition; Hereditary Cancer Syndrome; Hereditary neoplastic syndrome. Identifiers: Orphanet 140162, MedGen C0027672, MeSH D009386, MONDO:0015356.

Allele frequency attached by ClinVar (database versions not stated): gnomAD 0.00001.

Submissions (4):

Labcorp Genetics (formerly Invitae), Labcorp
Classification: Uncertain significance for Hereditary nonpolyposis colorectal neoplasms. Last evaluated: 2025-12-01. Review status: criteria provided, single submitter. Criteria: Invitae Variant Classification Sherloc (09022015). Collection method: clinical testing. Allele origin: germline.
Comment: This sequence change replaces alanine, which is neutral and non-polar, with threonine, which is neutral and polar, at codon 811 of the PMS2 protein (p.Ala811Thr). The frequency data for this variant in the population databases (gnomAD) is considered unreliable due to the presence of homologous sequence, such as pseudogenes or paralogs, in the genome. This variant has not been reported in the literature in individuals affected with PMS2-related conditions. ClinVar contains an entry for this variant (Variation ID: 484289). Invitae Evidence Modeling incorporating data from in vitro experimental studies (internal data) indicates that this missense variant is not expected to disrupt PMS2 function with a negative predictive value of 95%. In summary, the available evidence is currently insufficient to determine the role of this variant in disease. Therefore, it has been classified as a Variant of Uncertain Significance.

Color Diagnostics, LLC DBA Color Health
Classification: Uncertain significance for Hereditary cancer-predisposing syndrome. Last evaluated: 2025-06-09. Review status: criteria provided, single submitter. Criteria: ACMG Guidelines, 2015. Collection method: clinical testing. Allele origin: germline.
Comment: This missense variant replaces alanine with threonine at codon 811 of the PMS2 protein. Computational prediction suggests that this variant may have deleterious impact on protein structure and function. To our knowledge, functional studies have not been reported for this variant. This variant has not been reported in individuals affected with PMS2-related disorders in the literature. This variant has not been identified in the general population by the Genome Aggregation Database (gnomAD). The available evidence is insufficient to determine the role of this variant in disease conclusively. Therefore, this variant is classified as a Variant of Uncertain Significance.

Ambry Genetics
Classification: Uncertain significance for Hereditary cancer-predisposing syndrome. Last evaluated: 2023-11-16. Review status: criteria provided, single submitter. Criteria: Ambry Variant Classification Scheme 2023. Collection method: clinical testing. Allele origin: germline.
Comment: The p.A811T variant (also known as c.2431G>A), located in coding exon 14 of the PMS2 gene, results from a G to A substitution at nucleotide position 2431. The alanine at codon 811 is replaced by threonine, an amino acid with similar properties. This amino acid position is highly conserved in available vertebrate species. In addition, this alteration is predicted to be deleterious by in silico analysis. Since supporting evidence is limited at this time, the clinical significance of this alteration remains unclear.

PreventionGenetics, part of Exact Sciences
Classification: Uncertain significance. Last evaluated: 2018-01-10. Review status: criteria provided, single submitter. Criteria: ACMG Guidelines, 2015. Collection method: clinical testing. Allele origin: germline.

NM_000535.7(PMS2):c.2431G>A (p.Ala811Thr)

Gene: PMS2 (PMS1 homolog 2, mismatch repair system component; minus strand). Cytogenetic location: 7p22.1.
Variant type: single nucleotide variant.
Coding change: c.2431G>A on transcript NM_000535.7 (MANE Select); coding-DNA position 2431, G replaced by A.
Protein change: p.Ala811Thr; replaces alanine 811 with threonine.
Molecular consequence: missense variant. On other transcripts: non-coding transcript variant (1).
Genome position (GRCh38, 1-based): chr7:5,977,602, C>T on the plus strand (G>A on the coding strand, the complement: PMS2 is on the minus strand). VCF-style: chr7-5977602-C-T. GRCh37 (hg19) VCF-style: chr7-6017233-C-T.
Other names: c.2026G>A, p.Ala676Thr (NM_001322003.2, NM_001322004.2, NM_001322005.2); c.2275G>A, p.Ala759Thr (NM_001322006.2); c.2113G>A, p.Ala705Thr (NM_001322007.2, NM_001322008.2); c.2059G>A, p.Ala687Thr (NM_001322009.2); c.1870G>A, p.Ala624Thr (NM_001322010.2); c.1498G>A, p.Ala500Thr (NM_001322011.2, NM_001322012.2); c.1858G>A, p.Ala620Thr (NM_001322013.2); c.2464G>A, p.Ala822Thr (NM_001322014.2); and 1 more; short protein forms A811T, A708T, A759T, A620T, A624T, A676T, A705T, A822T.
Identifiers: ClinVar variation 484289 (VCV000484289.13), dbSNP rs1169337656, ClinGen allele CA366735575.
Genomic context (GRCh38, chr7:5,977,602, plus strand): 5'-TGCAAGCTTGAGCAGCTGAGCTGACAGCCAGGCTTTCTTTACTTACCGACTTCCGGCAGG[C>T]TCTGGAGGCAAACATCTGCTTGACTCGGGAAGGCCGGCACATGACCCCAGGGCTGTCGCT-3'
Protein context (NP_000526.2, residues 801-821): SRVKQMFASR[Ala811Thr]CRKSVMIGTA